The following is an entry in ClinVar:

ClinVar aggregate classification (germline): Uncertain significance (1 of 4 stars; one submission).

Submission:

GeneDx
Classification: Uncertain significance. Last evaluated: 2025-03-06. Review status: criteria provided, single submitter. Criteria: GeneDx Variant Classification Process June 2021. Collection method: clinical testing. Allele origin: germline. Affected: yes.
Comment: Not observed at significant frequency in large population cohorts (gnomAD); Frameshift variant predicted to result in abnormal protein length as the last 149 amino acids are replaced with 118 different amino acids; Has not been previously published as pathogenic or benign to our knowledge

NM_006133.3(DAGLA):c.2655_2680dup (p.Glu894fs)

Gene: DAGLA (diacylglycerol lipase alpha; plus strand). Cytogenetic location: 11q12.2.
Variant type: Duplication.
Coding change: c.2655_2680dup on transcript NM_006133.3 (MANE Select); coding-DNA positions 2655 to 2680, 26 bases duplicated (GGGTGGCGGGCCGGCCTCCCGCGGGG).
Protein change: p.Glu894fs; shifts the reading frame from glutamic acid 894.
Molecular consequence: frameshift variant.
Genome position (GRCh38, 1-based): chr11:61,744,015-61,744,040, GGGTGGCGGGCCGGCCTCCCGCGGGG duplicated; duplicating any 26 consecutive bases within chr11:61,744,013-61,744,040 gives the same sequence; the c. name uses the placement nearest the transcript's 3' end. VCF-style (leftmost placement, unchanged base first): chr11-61744012-T-TGGGGGTGGCGGGCCGGCCTCCCGCGG. GRCh37 (hg19) VCF-style: chr11-61511484-T-TGGGGGTGGCGGGCCGGCCTCCCGCGG.
Other names: short protein forms E894fs.
Identifiers: ClinVar variation 4082771 (VCV004082771.1).